The following is an entry in ClinVar:

NM_000393.5(COL5A2):c.860G>A (p.Arg287His)

Gene: COL5A2 (collagen type V alpha 2 chain; minus strand). Cytogenetic location: 2q32.2.
Variant type: single nucleotide variant.
Coding change: c.860G>A on transcript NM_000393.5 (MANE Select); coding-DNA position 860, G replaced by A.
Protein change: p.Arg287His; replaces arginine 287 with histidine.
Molecular consequence: missense variant.
Genome position (GRCh38, 1-based): chr2:189,081,036, C>T on the plus strand (G>A on the coding strand, the complement: COL5A2 is on the minus strand). VCF-style: chr2-189081036-C-T. GRCh37 (hg19) VCF-style: chr2-189945762-C-T.
Other names: c.860G>A (NM_000393.3); short protein forms R287H.
Identifiers: ClinVar variation 2739392 (VCV002739392.4), dbSNP rs1200446786, ClinGen allele CA349857317.

ClinVar aggregate classification (germline): Conflicting classifications of pathogenicity. Review status: criteria provided, conflicting classifications (1 of 4 stars). 2 submissions from 2 submitters: Uncertain significance (1); Likely benign (1). Last evaluated 2026-08-29.

Conditions:
Familial thoracic aortic aneurysm and aortic dissection (TAAD). Also called: Thoracic aortic aneurysms and dissections. Identifiers: Orphanet 91387, MedGen C4707243, MONDO:0019625.
Ehlers-Danlos syndrome, classic type, 1 (EDSCL1). Also called: Ehlers-Danlos syndrome, type 1; EHLERS-DANLOS SYNDROME, GRAVIS TYPE; EHLERS-DANLOS SYNDROME, SEVERE CLASSIC TYPE; Ehlers-Danlos Syndrome, Classic Type, COL5A1-Related; EDS I. Identifiers: MedGen C0268335, MONDO:0019567, OMIM 130000.

Allele frequency attached by ClinVar (database versions not stated): gnomAD 0.00001; gnomAD exomes 0.00001.

Submissions (2):

Ambry Genetics
Classification: Likely benign for Familial thoracic aortic aneurysm and aortic dissection. Last evaluated: 2026-08-29. Review status: criteria provided, single submitter. Criteria: Ambry Variant Classification Scheme 2023. Collection method: clinical testing. Allele origin: germline.

Labcorp Genetics (formerly Invitae), Labcorp
Classification: Uncertain significance for Ehlers-Danlos syndrome, classic type, 1. Last evaluated: 2023-09-06. Review status: criteria provided, single submitter. Criteria: Invitae Variant Classification Sherloc (09022015). Collection method: clinical testing. Allele origin: germline.
Comment: This sequence change replaces arginine, which is basic and polar, with histidine, which is basic and polar, at codon 287 of the COL5A2 protein (p.Arg287His). This variant is present in population databases (no rsID available, gnomAD 0.006%). This variant has not been reported in the literature in individuals affected with COL5A2-related conditions. Advanced modeling of protein sequence and biophysical properties (such as structural, functional, and spatial information, amino acid conservation, physicochemical variation, residue mobility, and thermodynamic stability) performed at Invitae indicates that this missense variant is not expected to disrupt COL5A2 protein function. In summary, the available evidence is currently insufficient to determine the role of this variant in disease. Therefore, it has been classified as a Variant of Uncertain Significance.